The following is an entry in ClinVar:

NM_001330260.2(SCN8A):c.1122C>G (p.Asn374Lys)

Gene: SCN8A (sodium voltage-gated channel alpha subunit 8; plus strand). Cytogenetic location: 12q13.13.
Variant type: single nucleotide variant.
Coding change: c.1122C>G on transcript NM_001330260.2 (MANE Select); coding-DNA position 1122, C replaced by G.
Protein change: p.Asn374Lys; replaces asparagine 374 with lysine.
Molecular consequence: missense variant.
Genome position (GRCh38, 1-based): chr12:51,702,902, C>G. VCF-style: chr12-51702902-C-G. GRCh37 (hg19) VCF-style: chr12-52096686-C-G.
Other names: c.1122C>G, p.Asn374Lys (NM_001177984.3, NM_001369788.1, NM_014191.4); c.1122C>G (NM_014191.3); short protein forms N374K.
Identifiers: ClinVar variation 3067145 (VCV003067145.2), dbSNP rs2540179223, ClinGen allele CA385227339.

Conditions:
Complex neurodevelopmental disorder. Identifiers: Orphanet 528084, MedGen C5568766, MONDO:0100038.

Submission:

Channelopathy-Associated Epilepsy Research Center
No classification provided (evidence only). Condition: Complex neurodevelopmental disorder. Review status: no classification provided. Collection method: literature only. Allele origin: not applicable. Functional consequence: Normal peak current, Normal voltage dependence of activation, Normal fast inactivation, Acceleration of recovery from fast inactivation, Normal slope of fast inactivation, Normal voltage dependence of fast inactivation, Overall gain-of-function effect with respect to biophysical channel activity.
ClinVar note: "not provided" was previously submitted as the classification for the variant. However, the classification appeared to be based only on an observation of functional data so it was converted to no classification on 2025-07-30.

Literature cited by the submitters: PubMed 34431999.